The following is an entry in ClinVar:

ClinVar aggregate classification (germline): Pathogenic. Review status: criteria provided, multiple submitters, no conflicts (2 of 4 stars). 3 submissions from 3 submitters: Pathogenic (2). 1 of the submissions does not count toward it. Last evaluated 2025-10-25.

Conditions:
Supravalvar aortic stenosis (SVAS). Also called: Supravalvar aortic stenosis, Eisenberg type. Identifiers: Orphanet 3193, MedGen C0003499, MONDO:0008504, OMIM 185500, HP:0004381.

Submissions (3):

Labcorp Genetics (formerly Invitae), Labcorp
Classification: Pathogenic for Supravalvar aortic stenosis. Last evaluated: 2025-10-25. Review status: criteria provided, single submitter. Criteria: Invitae Variant Classification Sherloc (09022015). Collection method: clinical testing. Allele origin: germline.
Comment: This sequence change affects an acceptor splice site in intron 15 of the ELN gene. It is expected to disrupt RNA splicing. Variants that disrupt the donor or acceptor splice site typically lead to a loss of protein function (PMID: 16199547), and loss-of-function variants in ELN are known to be pathogenic (PMID: 11175284). This variant is not present in population databases (gnomAD no frequency). Disruption of this splice site has been observed in individuals with supravalvular aortic stenosis (PMID: 9215670). ClinVar contains an entry for this variant (Variation ID: 163387). Algorithms developed to predict the effect of sequence changes on RNA splicing suggest that this variant may disrupt the consensus splice site. For these reasons, this variant has been classified as Pathogenic.

Laboratory for Molecular Medicine, Mass General Brigham Personalized Medicine
Classification: Pathogenic for Supravalvular aortic stenosis. Last evaluated: 2011-05-27. Review status: criteria provided, single submitter. Criteria: LMM Criteria. Collection method: clinical testing. Allele origin: germline. Observed: 1 variant allele.
Comment: The 800-2A>G variant has been reported in 2 individuals with SVAS and was absent from more than 750 control chromosomes (Li 1997). In addition, this variant was observed to segregate with disease in 4 affected family members. Furthermore, t his variant is predicted to cause abnormal splicing because the nucleotide subst itution occurs in the highly conserved splice consensus sequence. Splice-site al terations are a reported cause of SVAS in the ELN gene (Human Gene Mutation Data base, HGMD). In summary, this variant meets our pathogenicity criteria.

OMIM
Classification: Pathogenic for SUPRAVALVULAR AORTIC STENOSIS. Last evaluated: 1997-07-01. Review status: no assertion criteria provided. Collection method: literature only. Allele origin: germline. Not counted in ClinVar's aggregate classification.

Literature cited by the submitters: PubMed 16199547 (cited by Labcorp Genetics (formerly Invitae), Labcorp); PubMed 11175284 (cited by Labcorp Genetics (formerly Invitae), Labcorp); PubMed 9215670 (cited by 3 submitters).

NM_000501.4(ELN):c.800-2A>G

Gene: ELN (elastin; plus strand). Cytogenetic location: 7q11.23.
Variant type: single nucleotide variant.
Coding change: c.800-2A>G on transcript NM_000501.4 (MANE Select); the canonical splice acceptor site of the intron before coding-DNA position 800, A replaced by G.
Molecular consequence: splice acceptor variant.
Genome position (GRCh38, 1-based): chr7:74,051,748, A>G. VCF-style: chr7-74051748-A-G. GRCh37 (hg19) VCF-style: chr7-73466078-A-G.
Other names: IVS15AS, A-G, -2; c.815-2A>G (NM_001081754.3, NM_001081753.3); c.800-2A>G (NM_001278939.2, NM_001278915.2, NM_001278912.2 and 1 more transcripts); c.758-2A>G (NM_001278916.2); c.692-2A>G (NM_001278913.2); c.785-2A>G (NM_001278914.2); c.770-2A>G (NM_001278917.2, NM_001081752.3); c.668-2A>G (NM_001278918.2).
Identifiers: ClinVar variation 163387 (VCV000163387.13), dbSNP rs727503027, ClinGen allele CA281471.